The following is an entry in ClinVar:

NM_004360.5(CDH1):c.638G>A (p.Trp213Ter)

Gene: CDH1 (cadherin 1; plus strand). Cytogenetic location: 16q22.1.
Variant type: single nucleotide variant.
Coding change: c.638G>A on transcript NM_004360.5 (MANE Select); coding-DNA position 638, G replaced by A.
Protein change: p.Trp213Ter; replaces tryptophan 213 with a stop codon.
Molecular consequence: nonsense. On other transcripts: 5 prime UTR variant (2).
Genome position (GRCh38, 1-based): chr16:68,808,799, G>A. VCF-style: chr16-68808799-G-A. GRCh37 (hg19) VCF-style: chr16-68842702-G-A.
Other names: c.638G>A, p.Trp213Ter (NM_001317184.2); c.-978G>A (NM_001317185.2); c.-1182G>A (NM_001317186.2); short protein forms W213*.
Identifiers: ClinVar variation 2584269 (VCV002584269.2), dbSNP rs1567504890, ClinGen allele CA396458061.

ClinVar aggregate classification (germline): Pathogenic (1 of 4 stars; one submission).

Conditions:
Hereditary diffuse gastric adenocarcinoma (HDGC). Also called: DIFFUSE GASTRIC AND LOBULAR BREAST CANCER SYNDROME. Identifiers: Orphanet 26106, MedGen C1708349, MONDO:0007648, OMIM 137215.

Submission:

Myriad Genetics, Inc.
Classification: Pathogenic for Hereditary diffuse gastric adenocarcinoma. Last evaluated: 2023-06-09. Review status: criteria provided, single submitter. Criteria: Myriad Autosomal Dominant, Autosomal Recessive and X-Linked Classification Criteria (2023). Collection method: clinical testing. Allele origin: unknown.
Comment: This variant is considered pathogenic. This variant creates a termination codon and is predicted to result in premature protein truncation.